The following is an entry in ClinVar:

ClinVar aggregate classification (germline): Uncertain significance (1 of 4 stars; one submission).

Conditions:
Autosomal recessive limb-girdle muscular dystrophy. Identifiers: Orphanet 102015, MedGen C2931907, MONDO:0015152.

gnomAD v4.1: 16 of 1,613,990 alleles (0.00099%); highest among the groups gnomAD compares: Middle Eastern, 0.016%; no homozygotes.

Submission:

Myriad Genetics, Inc.
Classification: Uncertain significance for Autosomal recessive limb-girdle muscular dystrophy. Last evaluated: 2026-01-23. Review status: criteria provided, single submitter. Criteria: Myriad Autosomal Dominant, Autosomal Recessive and X-Linked Classification Criteria (2023). Collection method: clinical testing. Allele origin: unknown.
Comment: NM_003494.3(DYSF):c.1889C>T(P630L) is a missense variant classified as a variant of uncertain significance in the context of dysferlinopathy. P630L has been observed in a case with relevant disease (PMID: 39678382). Relevant functional assessments of this variant are not available in the literature. P630L has been observed in referenced population frequency databases. In summary, there is insufficient evidence to classify NM_003494.3(DYSF):c.1889C>T(P630L) as pathogenic or benign. Please note: this variant was assessed in the context of healthy population screening.

Literature cited by the submitters: PubMed 39678382.

NM_001130987.2(DYSF):c.1943C>T (p.Pro648Leu)

Gene: DYSF (dysferlin; plus strand). Cytogenetic location: 2p13.2.
Variant type: single nucleotide variant.
Coding change: c.1943C>T on transcript NM_001130987.2 (MANE Select); coding-DNA position 1943, C replaced by T.
Protein change: p.Pro648Leu; replaces proline 648 with leucine.
Molecular consequence: missense variant.
Genome position (GRCh38, 1-based): chr2:71,553,147, C>T. VCF-style: chr2-71553147-C-T. GRCh37 (hg19) VCF-style: chr2-71780277-C-T.
Other names: c.1892C>T, p.Pro631Leu (NM_001130455.2, NM_001130983.2); c.1847C>T, p.Pro616Leu (NM_001130976.2, NM_001130977.2); c.1889C>T, p.Pro630Leu (NM_001130978.2, NM_003494.4); c.1982C>T, p.Pro661Leu (NM_001130979.2); c.1940C>T, p.Pro647Leu (NM_001130980.2, NM_001130981.2); c.1985C>T, p.Pro662Leu (NM_001130982.2); c.1850C>T, p.Pro617Leu (NM_001130984.2, NM_001130986.2); c.1943C>T, p.Pro648Leu (NM_001130985.2); short protein forms P630L, P661L, P617L, P647L, P648L, P616L, P631L, P662L.
Identifiers: ClinVar variation 5003494 (VCV005003494.1).